The following is an entry in ClinVar:

ClinVar aggregate classification (germline): Likely benign. Review status: criteria provided, multiple submitters, no conflicts (2 of 4 stars). 2 submissions from 2 submitters: Likely benign (2). Last evaluated 2023-08-22.

Submissions (2):

Labcorp Genetics (formerly Invitae), Labcorp
Classification: Likely benign. Last evaluated: 2023-08-22. Review status: criteria provided, single submitter. Criteria: Invitae Variant Classification Sherloc (09022015). Collection method: clinical testing. Allele origin: germline.

GeneDx
Classification: Likely benign. Last evaluated: 2018-05-07. Review status: criteria provided, single submitter. Criteria: GeneDx Variant Classification (06012015). Collection method: clinical testing. Allele origin: germline. Affected: yes.
Comment: This variant is considered likely benign or benign based on one or more of the following criteria: it is a conservative change, it occurs at a poorly conserved position in the protein, it is predicted to be benign by multiple in silico algorithms, and/or has population frequency not consistent with disease.

NM_133259.4(LRPPRC):c.2373C>T (p.His791=)

Gene: LRPPRC (leucine rich pentatricopeptide repeat containing; minus strand). Cytogenetic location: 2p21.
Variant type: single nucleotide variant.
Coding change: c.2373C>T on transcript NM_133259.4 (MANE Select); coding-DNA position 2373, C replaced by T.
Protein change: p.His791=; no amino-acid change (histidine 791 retained).
Molecular consequence: synonymous variant.
Genome position (GRCh38, 1-based): chr2:43,943,818, G>A on the plus strand (C>T on the coding strand, the complement: LRPPRC is on the minus strand). VCF-style: chr2-43943818-G-A. GRCh37 (hg19) VCF-style: chr2-44170957-G-A.
Identifiers: ClinVar variation 682215 (VCV000682215.4), dbSNP rs1572950032, ClinGen allele CA425909822.